The following is an entry in ClinVar:

NM_020738.4(KIDINS220):c.2921A>T (p.Gln974Leu)

Gene: KIDINS220 (kinase D interacting substrate 220; minus strand). Cytogenetic location: 2p25.1.
Variant type: single nucleotide variant.
Coding change: c.2921A>T on transcript NM_020738.4 (MANE Select); coding-DNA position 2921, A replaced by T.
Protein change: p.Gln974Leu; replaces glutamine 974 with leucine.
Molecular consequence: missense variant. On other transcripts: non-coding transcript variant (2).
Genome position (GRCh38, 1-based): chr2:8,770,760, T>A on the plus strand (A>T on the coding strand, the complement: KIDINS220 is on the minus strand). VCF-style: chr2-8770760-T-A. GRCh37 (hg19) VCF-style: chr2-8910890-T-A.
Other names: c.2921A>T (NM_020738.2); c.2924A>T, p.Gln975Leu (NM_001348729.2, NM_001348731.2, NM_001348734.2 and 3 more transcripts); c.2921A>T, p.Gln974Leu (NM_001348732.2, NM_001348735.2, NM_001348738.2 and 3 more transcripts); c.2795A>T, p.Gln932Leu (NM_001348736.2); short protein forms Q932L, Q975L, Q974L.
Identifiers: ClinVar variation 1047379 (VCV001047379.11), dbSNP rs201780168, ClinGen allele CA1519843.

ClinVar aggregate classification (germline): Conflicting classifications of pathogenicity. Review status: criteria provided, conflicting classifications (1 of 4 stars). 3 submissions from 3 submitters: Uncertain significance (2); Likely benign (1). Last evaluated 2026-05-27.

Conditions:
KIDINS220-related disorder. Also called: KIDINS220-related condition.
Inborn genetic diseases. Identifiers: MedGen C0950123, MeSH D030342.

Allele frequency attached by ClinVar (database versions not stated): ExAC 0.00011; gnomAD exomes 0.00014 and 0.00051; ESP Exome Variant Server 0.00025; TOPMed 0.00026; gnomAD 0.00028 and 0.00029.
gnomAD v4.1: 787 of 1,612,402 alleles (0.049%); highest among the groups gnomAD compares: Non-Finnish European, 0.064%; no homozygotes.

Submissions (3):

PreventionGenetics, part of Exact Sciences
Classification: Uncertain significance for KIDINS220-related condition. Last evaluated: 2026-05-27. Review status: criteria provided, single submitter. Criteria: ACMG Guidelines, 2015. Collection method: clinical testing. Allele origin: germline.
Comment: The KIDINS220 c.2921A>T variant is predicted to result in the amino acid substitution p.Gln974Leu. To our knowledge, this variant has not been reported in the literature. This variant is reported in 0.035% of alleles in individuals of European (Non-Finnish) descent in gnomAD. At this time, the clinical significance of this variant is uncertain due to the absence of conclusive functional and genetic evidence.

Labcorp Genetics (formerly Invitae), Labcorp
Classification: Uncertain significance. Last evaluated: 2025-03-23. Review status: criteria provided, single submitter. Criteria: Invitae Variant Classification Sherloc (09022015). Collection method: clinical testing. Allele origin: germline.
Comment: This sequence change replaces glutamine, which is neutral and polar, with leucine, which is neutral and non-polar, at codon 974 of the KIDINS220 protein (p.Gln974Leu). This variant is present in population databases (rs201780168, gnomAD 0.03%). This variant has not been reported in the literature in individuals affected with KIDINS220-related conditions. ClinVar contains an entry for this variant (Variation ID: 1047379). An algorithm developed to predict the effect of missense changes on protein structure and function (PolyPhen-2) suggests that this variant is likely to be disruptive. In summary, the available evidence is currently insufficient to determine the role of this variant in disease. Therefore, it has been classified as a Variant of Uncertain Significance.

Ambry Genetics
Classification: Likely benign for Inborn genetic diseases. Last evaluated: 2022-04-22. Review status: criteria provided, single submitter. Criteria: Ambry Variant Classification Scheme 2023. Collection method: clinical testing. Allele origin: germline.